The following is an entry in ClinVar:

ClinVar aggregate classification (germline): Uncertain significance. Review status: criteria provided, multiple submitters, no conflicts (2 of 4 stars). 5 submissions from 5 submitters: Uncertain significance (4). 1 of the submissions does not count toward it. Last evaluated 2025-03-01.

Conditions:
CFTR-related disorder (CFTR-RD). Also called: CFTR-related disorders; CFTR-related condition. Identifiers: MedGen C5924204, MONDO:7770004.
Cystic fibrosis (CF). Also called: MUCOVISCIDOSIS. Identifiers: Orphanet 586, MedGen C0010674, MONDO:0009061, OMIM 219700. Disease mechanism: loss of function.

Allele frequency attached by ClinVar (database versions not stated): gnomAD exomes 0.00001; ExAC 0.00002; gnomAD 0.00004 and 0.00005; TOPMed 0.00011; ESP Exome Variant Server 0.00015.
gnomAD v4.1: 17 of 1,613,258 alleles (0.0011%); highest among the groups gnomAD compares: African/African-American, 0.02%; no homozygotes.

Submissions (5):

CeGaT Center for Human Genetics Tuebingen
Classification: Uncertain significance. Last evaluated: 2025-03-01. Review status: criteria provided, single submitter. Criteria: CeGaT Center For Human Genetics Tuebingen Variant Classification Criteria Version 2. Collection method: clinical testing. Allele origin: germline. Affected: yes. Observed: 1 variant allele.
Comment: CFTR: PM2, BP4

Ambry Genetics
Classification: Uncertain significance for Cystic fibrosis. Last evaluated: 2024-11-19. Review status: criteria provided, single submitter. Criteria: Ambry Variant Classification Scheme 2023. Collection method: clinical testing. Allele origin: germline.
Comment: The p.K1174T variant (also known as c.3521A>C), located in coding exon 22 of the CFTR gene, results from an A to C substitution at nucleotide position 3521. The lysine at codon 1174 is replaced by threonine, an amino acid with similar properties. This amino acid position is not well conserved in available vertebrate species. In addition, this alteration is predicted to be tolerated by in silico analysis. Based on the available evidence, the clinical significance of this variant remains unclear.

Women's Health and Genetics/Laboratory Corporation of America, LabCorp
Classification: Uncertain significance. Last evaluated: 2024-06-11. Review status: criteria provided, single submitter. Criteria: LabCorp Variant Classification Summary - May 2015. Collection method: clinical testing. Allele origin: germline.
Comment: Variant summary: CFTR c.3521A>C (p.Lys1174Thr) results in a non-conservative amino acid change in the encoded protein sequence. Four of five in-silico tools predict a benign effect of the variant on protein function. The variant allele was found at a frequency of 1.2e-05 in 250774 control chromosomes (gnomAD). The available data on variant occurrences in the general population are insufficient to allow any conclusion about variant significance. To our knowledge, no occurrence of c.3521A>C in individuals affected with Cystic Fibrosis and no experimental evidence demonstrating its impact on protein function have been reported. ClinVar contains an entry for this variant (Variation ID: 859201). Based on the evidence outlined above, the variant was classified as uncertain significance.

Labcorp Genetics (formerly Invitae), Labcorp
Classification: Uncertain significance for Cystic fibrosis. Last evaluated: 2022-01-28. Review status: criteria provided, single submitter. Criteria: Invitae Variant Classification Sherloc (09022015). Collection method: clinical testing. Allele origin: germline.
Comment: This sequence change replaces lysine, which is basic and polar, with threonine, which is neutral and polar, at codon 1174 of the CFTR protein (p.Lys1174Thr). This variant is present in population databases (rs137875514, gnomAD 0.03%). This variant has not been reported in the literature in individuals affected with CFTR-related conditions. ClinVar contains an entry for this variant (Variation ID: 859201). Algorithms developed to predict the effect of missense changes on protein structure and function (SIFT, PolyPhen-2, Align-GVGD) all suggest that this variant is likely to be tolerated. In summary, the available evidence is currently insufficient to determine the role of this variant in disease. Therefore, it has been classified as a Variant of Uncertain Significance.

Natera, Inc.
Classification: Uncertain significance for CFTR-related disorders. Last evaluated: 2018-05-01. Review status: no assertion criteria provided. Collection method: clinical testing. Allele origin: germline. Not counted in ClinVar's aggregate classification.

NM_000492.4(CFTR):c.3521A>C (p.Lys1174Thr)

Genes: CFTR-AS2 (CFTR antisense RNA 2; minus strand), CFTR (CF transmembrane conductance regulator; plus strand). Cytogenetic location: 7q31.2.
Variant type: single nucleotide variant.
Coding change: c.3521A>C on transcript NM_000492.4 (MANE Select); coding-DNA position 3521, A replaced by C.
Protein change: p.Lys1174Thr; replaces lysine 1174 with threonine.
Molecular consequence: missense variant.
Genome position (GRCh38, 1-based): chr7:117,627,574, A>C. VCF-style: chr7-117627574-A-C. GRCh37 (hg19) VCF-style: chr7-117267628-A-C.
Other names: short protein forms K1174T.
Identifiers: ClinVar variation 859201 (VCV000859201.15), dbSNP rs137875514, ClinGen allele CA4451490.